The following is an entry in ClinVar:

NM_182916.3(TRNT1):c.1249A>G (p.Lys417Glu)

Gene: TRNT1 (tRNA nucleotidyl transferase 1; plus strand). Cytogenetic location: 3p26.2.
Variant type: single nucleotide variant.
Coding change: c.1249A>G on transcript NM_182916.3 (MANE Select); coding-DNA position 1249, A replaced by G.
Protein change: p.Lys417Glu; replaces lysine 417 with glutamic acid.
Molecular consequence: missense variant. On other transcripts: non-coding transcript variant (8).
Genome position (GRCh38, 1-based): chr3:3,148,098, A>G. VCF-style: chr3-3148098-A-G. GRCh37 (hg19) VCF-style: chr3-3189782-A-G.
Other names: c.1189A>G, p.Lys397Glu (NM_001302946.2); c.1249A>G, p.Lys417Glu (NM_001367321.1, NM_001367322.1, NM_001367323.1); short protein forms K417E, K397E.
Identifiers: ClinVar variation 1413150 (VCV001413150.8), dbSNP rs751047325, ClinGen allele CA2228926.

ClinVar aggregate classification (germline): Uncertain significance (1 of 4 stars; one submission).

Conditions:
Congenital sideroblastic anemia-B-cell immunodeficiency-periodic fever-developmental delay syndrome. Also called: Sideroblastic anemia with B-cell immunodeficiency, periodic fevers, and developmental delay. Identifiers: Orphanet 369861, MedGen C4015172, MONDO:0014487, OMIM 616084.

Allele frequency attached by ClinVar (database versions not stated): gnomAD exomes below 0.00001 and 0.00001; ExAC 0.00001; TOPMed 0.00002.
gnomAD v4.1: 3 of 1,613,930 alleles (0.00019%); highest among the groups gnomAD compares: Admixed American, 0.005%; no homozygotes.

Submission:

Labcorp Genetics (formerly Invitae), Labcorp
Classification: Uncertain significance for Congenital sideroblastic anemia-B-cell immunodeficiency-periodic fever-developmental delay syndrome. Last evaluated: 2024-01-19. Review status: criteria provided, single submitter. Criteria: Invitae Variant Classification Sherloc (09022015). Collection method: clinical testing. Allele origin: germline.
Comment: This sequence change replaces lysine, which is basic and polar, with glutamic acid, which is acidic and polar, at codon 417 of the TRNT1 protein (p.Lys417Glu). This variant is present in population databases (rs751047325, gnomAD 0.003%). This variant has not been reported in the literature in individuals affected with TRNT1-related conditions. ClinVar contains an entry for this variant (Variation ID: 1413150). An algorithm developed to predict the effect of missense changes on protein structure and function (PolyPhen-2) suggests that this variant is likely to be tolerated. In summary, the available evidence is currently insufficient to determine the role of this variant in disease. Therefore, it has been classified as a Variant of Uncertain Significance.